The following is an entry in ClinVar:

NM_002474.3(MYH11):c.4596G>C (p.Lys1532Asn)

Genes: NDE1 (nudE neurodevelopment protein 1; plus strand), MYH11 (myosin heavy chain 11; minus strand). Cytogenetic location: 16p13.11.
Variant type: single nucleotide variant.
Coding change: c.4596G>C on transcript NM_002474.3 (MANE Select); coding-DNA position 4596, G replaced by C.
Protein change: p.Lys1532Asn; replaces lysine 1532 with asparagine.
Molecular consequence: missense variant. On other transcripts: intron variant (2).
Genome position (GRCh38, 1-based): chr16:15,721,034, C>G on the plus strand (G>C on the coding strand, the complement: MYH11 is on the minus strand). VCF-style: chr16-15721034-C-G. GRCh37 (hg19) VCF-style: chr16-15814891-C-G.
Other names: c.4617G>C (NM_001040113.1); c.4617G>C, p.Lys1539Asn (NM_001040113.2, NM_001040114.2); c.4596G>C, p.Lys1532Asn (NM_022844.3); c.948-3157C>G (NM_001143979.2, NM_017668.3); short protein forms K1532N, K1539N.
Identifiers: ClinVar variation 3071072 (VCV003071072.2), dbSNP rs2506121542, ClinGen allele CA394854605.
Genomic context (GRCh38, chr16:15,721,034, plus strand): 5'-CTCCAGCTCTTCCAGCTGCGTCTTCATCTCCTCCATCTGGGTCTCCAGGGCCCGCTTGGA[C>G]TTCTCCAGCTCATGGACCTGCCGGCAGAGCGGGCAGCCCCATTCTATGAGGCTCAACTTC-3'
Protein context (NP_002465.1, residues 1522-1542): DVGKNVHELE[Lys1532Asn]SKRALETQME

ClinVar aggregate classification (germline): Uncertain significance. Review status: criteria provided, single submitter (1 of 4 stars). 2 submissions from 2 submitters: Uncertain significance (1). 1 of the submissions does not count toward it. Last evaluated 2023-05-16.

Conditions:
Familial thoracic aortic aneurysm and aortic dissection (TAAD). Also called: Thoracic aortic aneurysms and dissections. Identifiers: Orphanet 91387, MedGen C4707243, MONDO:0019625.
MYH11-related disorder. Also called: MYH11-related condition.

Allele frequency attached by ClinVar (database versions not stated): gnomAD exomes below 0.00001.
gnomAD v4.1: 1 of 1,614,026 alleles (0.000062%); highest among the groups gnomAD compares: Non-Finnish European, 0.000085%; no homozygotes.

Submissions (2):

All of Us Research Program, National Institutes of Health
Classification: Uncertain significance for Familial thoracic aortic aneurysm and aortic dissection. Last evaluated: 2023-05-16. Review status: criteria provided, single submitter. Criteria: ACMG Guidelines, 2015. Collection method: clinical testing. Allele origin: germline. Inheritance: Autosomal dominant inheritance. Observed: 1 variant allele, 1 heterozygote.
Comment: This missense variant replaces lysine with asparagine at codon 1539 of the MYH11 protein. Computational prediction suggests that this variant may have deleterious impact on protein structure and function (internally defined REVEL score threshold >= 0.7, PMID: 27666373). To our knowledge, functional studies have not been reported for this variant. This variant has not been reported in individuals affected with MYH11-related disorders in the literature. This variant has not been identified in the general population by the Genome Aggregation Database (gnomAD). The available evidence is insufficient to determine the role of this variant in disease conclusively. Therefore, this variant is classified as a Variant of Uncertain Significance.

This study involves interpretation of variants in research participants for the purpose of population health screening. Participant phenotype was not available at the time of variant classification. Additional details can be found in publication PMID: 35346344, PMCID: PMC8962531

PreventionGenetics, part of Exact Sciences
Classification: Uncertain significance for MYH11-related condition. Last evaluated: 2024-07-17. Review status: no assertion criteria provided. Collection method: clinical testing. Allele origin: germline. Not counted in ClinVar's aggregate classification.
Comment: The MYH11 c.4617G>C variant is predicted to result in the amino acid substitution p.Lys1539Asn. To our knowledge, this variant has not been reported in the literature or in a large population database, indicating this variant is rare. At this time, the clinical significance of this variant is uncertain due to the absence of conclusive functional and genetic evidence.